The following is an entry in ClinVar:

NC_000023.10:g.(?_8501036)_(8565317_?)del

Gene: ANOS1 (anosmin 1; minus strand). Cytogenetic location: Xp22.31.
Variant type: Deletion.
Identifiers: ClinVar variation 3244150 (VCV003244150.1).

ClinVar aggregate classification (germline): Pathogenic (1 of 4 stars; one submission).

Conditions:
Hypogonadotropic hypogonadism 1 with or without anosmia (HH1). Also called: Kallmann syndrome, type 1, X-linked; DYSPLASIA OLFACTOGENITALIS OF DE MORSIER; HYPOGONADOTROPIC HYPOGONADISM 1 WITH ANOSMIA; HYPOGONADOTROPIC HYPOGONADISM AND ANOSMIA; KAL1-Related GnRH Deficiency (Kallmann Syndrome 1; Kallmann Syndrome, X-Linked); Hypogonadotropic hypogonadism 1 with or without anosmia (Kallmann syndrome 1). Identifiers: Orphanet 478, MedGen C1563719, MONDO:0010635, OMIM 308700. Disease mechanism: loss of function.

Submission:

Labcorp Genetics (formerly Invitae), Labcorp
Classification: Pathogenic for Hypogonadotropic hypogonadism 1 with or without anosmia. Last evaluated: 2022-09-25. Review status: criteria provided, single submitter. Criteria: Invitae Variant Classification Sherloc (09022015). Collection method: clinical testing. Allele origin: unknown.
Comment: For these reasons, this variant has been classified as Pathogenic. The region of the ANOS1 gene that includes exon(s) 4-5 has been determined to be clinically significant (PMID: 9589672, 12727945, 21717404). Therefore, deletions that encompass that region are likely to be disease-causing. A similar copy number variant has been observed in individual(s) with Kallmann syndrome (PMID: 21717404). This variant is a gross deletion of the genomic region encompassing exon(s) 4-14 of the ANOS1 gene, which includes the termination codon. This deletion extends beyond the assayed region for this gene and therefore may encompass additional genes. While this deletion is not anticipated to lead to nonsense mediated decay, it is expected to alter mRNA translation or result in a truncated protein product.

Literature cited by the submitters: PubMed 9589672; PubMed 12727945; PubMed 21717404.